The following is an entry in ClinVar:

ClinVar aggregate classification (germline): Uncertain significance. Review status: criteria provided, multiple submitters, no conflicts (2 of 4 stars). 2 submissions from 2 submitters: Uncertain significance (2). Last evaluated 2023-08-16.

Conditions:
Congenital insensitivity to pain-hypohidrosis syndrome. Also called: HSAN VIII; Neuropathy, hereditary sensory and autonomic, type VIII. Identifiers: Orphanet 478664, MedGen C4225308, MONDO:0014662, OMIM 616488.
Inborn genetic diseases. Identifiers: MedGen C0950123, MeSH D030342.

Submissions (2):

Ambry Genetics
Classification: Uncertain significance for Inborn genetic diseases. Last evaluated: 2023-08-16. Review status: criteria provided, single submitter. Criteria: Ambry Variant Classification Scheme 2023. Collection method: clinical testing. Allele origin: germline.
Comment: The c.1044_1045insACC (p.A348_A349insT) alteration, located in coding exon 5 of the PRDM12 gene, results from an in-frame insertion of 3 nucleotides at positions c.1044 to c.1045. This results in the insertion of a threonine residue at p.348 to p.349. Based on insufficient or conflicting evidence, the clinical significance of this alteration remains unclear.

Labcorp Genetics (formerly Invitae), Labcorp
Classification: Uncertain significance for Congenital insensitivity to pain-hypohidrosis syndrome. Last evaluated: 2022-08-16. Review status: criteria provided, single submitter. Criteria: Invitae Variant Classification Sherloc (09022015). Collection method: clinical testing. Allele origin: germline.
Comment: This variant, c.1044_1045insACC, results in the insertion of 1 amino acid(s) of the PRDM12 protein (p.Ala348_Ala349insThr), but otherwise preserves the integrity of the reading frame. The frequency data for this variant in the population databases is considered unreliable, as metrics indicate poor data quality at this position in the gnomAD database. This variant has not been reported in the literature in individuals affected with PRDM12-related conditions. ClinVar contains an entry for this variant (Variation ID: 475804). Experimental studies and prediction algorithms are not available or were not evaluated, and the functional significance of this variant is currently unknown. In summary, the available evidence is currently insufficient to determine the role of this variant in disease. Therefore, it has been classified as a Variant of Uncertain Significance.

NM_021619.3(PRDM12):c.1044_1045insACC (p.Ala348_Ala349insThr)

Gene: PRDM12 (PR/SET domain 12; plus strand). Cytogenetic location: 9q34.12.
Variant type: Insertion.
Coding change: c.1044_1045insACC on transcript NM_021619.3 (MANE Select); coding-DNA positions 1044 to 1045, ACC inserted.
Protein change: p.Ala348_Ala349insThr.
Molecular consequence: inframe insertion.
Genome position: GRCh38 VCF-style: chr9-130681607-G-GCCA. GRCh37 (hg19) VCF-style: chr9-133556994-G-GCCA.
Identifiers: ClinVar variation 475804 (VCV000475804.9), dbSNP rs1429038624, ClinGen allele CA590945314.